The following is an entry in ClinVar:

ClinVar aggregate classification (germline): Uncertain significance. Review status: criteria provided, single submitter (1 of 4 stars). 2 submissions from 2 submitters: Uncertain significance (1). 1 of the submissions does not count toward it. Last evaluated 2024-10-16.

Conditions:
EP300-related disorder. Also called: EP300-related condition; EP300-related disorders.
Rubinstein-Taybi syndrome due to EP300 haploinsufficiency. Also called: RUBINSTEIN-TAYBI SYNDROME 2; EP300-Related Rubinstein-Taybi Syndrome. Identifiers: Orphanet 353284, Orphanet 783, MedGen C3150941, MONDO:0013364, OMIM 613684.

gnomAD v4.1: 1 of 1,613,820 alleles (0.000062%); no homozygotes.

Submissions (2):

Labcorp Genetics (formerly Invitae), Labcorp
Classification: Uncertain significance for Rubinstein-Taybi syndrome due to EP300 haploinsufficiency. Last evaluated: 2024-10-16. Review status: criteria provided, single submitter. Criteria: Invitae Variant Classification Sherloc (09022015). Collection method: clinical testing. Allele origin: germline.
Comment: This sequence change replaces proline, which is neutral and non-polar, with alanine, which is neutral and non-polar, at codon 847 of the EP300 protein (p.Pro847Ala). This variant is not present in population databases (gnomAD no frequency). This variant has not been reported in the literature in individuals affected with EP300-related conditions. Invitae Evidence Modeling of protein sequence and biophysical properties (such as structural, functional, and spatial information, amino acid conservation, physicochemical variation, residue mobility, and thermodynamic stability) indicates that this missense variant is not expected to disrupt EP300 protein function with a negative predictive value of 80%. In summary, the available evidence is currently insufficient to determine the role of this variant in disease. Therefore, it has been classified as a Variant of Uncertain Significance.

PreventionGenetics, part of Exact Sciences
Classification: Uncertain significance for EP300-related condition. Last evaluated: 2024-05-10. Review status: no assertion criteria provided. Collection method: clinical testing. Allele origin: germline. Not counted in ClinVar's aggregate classification.
Comment: The EP300 c.2539C>G variant is predicted to result in the amino acid substitution p.Pro847Ala. To our knowledge, this variant has not been reported in the literature. This variant is reported in 0.00088% of alleles in individuals of European (n-Finnish) descent in gnomAD. At this time, the clinical significance of this variant is uncertain due to the absence of conclusive functional and genetic evidence.

NM_001429.4(EP300):c.2539C>G (p.Pro847Ala)

Gene: EP300 (EP300 lysine acetyltransferase; plus strand). Cytogenetic location: 22q13.2.
Variant type: single nucleotide variant.
Coding change: c.2539C>G on transcript NM_001429.4 (MANE Select); coding-DNA position 2539, C replaced by G.
Protein change: p.Pro847Ala; replaces proline 847 with alanine.
Molecular consequence: missense variant.
Genome position (GRCh38, 1-based): chr22:41,149,920, C>G. VCF-style: chr22-41149920-C-G. GRCh37 (hg19) VCF-style: chr22-41545924-C-G.
Other names: c.2461C>G, p.Pro821Ala (NM_001362843.2); c.2539C>G (NM_001429.3); short protein forms P847A, P821A.
Identifiers: ClinVar variation 2809372 (VCV002809372.4), dbSNP rs764698803, ClinGen allele CA10252896.